The following is an entry in ClinVar:

NM_000503.6(EYA1):c.-47C>A

Gene: EYA1 (EYA transcriptional coactivator and phosphatase 1; minus strand). Cytogenetic location: 8q13.3.
Variant type: single nucleotide variant.
Coding change: c.-47C>A on transcript NM_000503.6 (MANE Select); 47 bases upstream of the start codon, C replaced by A.
Molecular consequence: 5 prime UTR variant. On other transcripts: missense variant (3).
Genome position (GRCh38, 1-based): chr8:71,356,504, G>T on the plus strand (C>A on the coding strand, the complement: EYA1 is on the minus strand). VCF-style: chr8-71356504-G-T. GRCh37 (hg19) VCF-style: chr8-72268739-G-T.
Other names: c.-47C>A (NM_001288574.2, NM_001370334.1, NM_001370335.1 and 1 more transcripts); c.-331C>A (NM_001288575.2); c.41C>A, p.Thr14Lys (NM_001370333.1, NM_001370336.1, NM_172059.5); short protein forms T14K.
Identifiers: ClinVar variation 363665 (VCV000363665.5), dbSNP rs760164698, ClinGen allele CA4779964.

ClinVar aggregate classification (germline): Benign/Likely benign. Review status: criteria provided, single submitter (1 of 4 stars). 2 submissions from 1 submitter: Benign (1); Likely benign (1). Last evaluated 2018-01-13.

Conditions:
Otofaciocervical syndrome 1 (OTFCS). Identifiers: MedGen C3714941, MONDO:0024532, OMIM 166780.
Branchiootic syndrome 1 (BOS1). Also called: BO SYNDROME 1; BRANCHIOOTIC DYSPLASIA. Identifiers: MedGen C1865143, MONDO:0011258, OMIM 602588.

Allele frequency attached by ClinVar (database versions not stated): gnomAD exomes 0.00001; TOPMed 0.00001; ExAC 0.00006.
gnomAD v4.1: 9 of 1,576,212 alleles (0.00057%); highest among the groups gnomAD compares: Non-Finnish European, 0.00078%; no homozygotes.

Submissions (2):

Illumina Laboratory Services, Illumina
Classification: Likely benign for Branchiootic syndrome. Last evaluated: 2018-01-13. Review status: criteria provided, single submitter. Criteria: ICSL Variant Classification Criteria 13 December 2019. Collection method: clinical testing. Allele origin: germline.
Comment: This variant was observed in the ICSL laboratory as part of a predisposition screen in an ostensibly healthy population. It had not been previously curated by ICSL or reported in the Human Gene Mutation Database (HGMD: prior to June 1st, 2018), and was therefore a candidate for classification through an automated scoring system. Utilizing variant allele frequency, disease prevalence and penetrance estimates, and inheritance mode, an automated score was calculated to assess if this variant is too frequent to cause the disease. Based on the score and internal cut-off values, a variant classified as likely benign is not then subjected to further curation. The score for this variant resulted in a classification of likely benign for this disease.

Illumina Laboratory Services, Illumina
Classification: Benign for Otofaciocervical syndrome 1. Last evaluated: 2018-01-13. Review status: criteria provided, single submitter. Criteria: ICSL Variant Classification Criteria 13 December 2019. Collection method: clinical testing. Allele origin: germline.
Comment: This variant was observed in the ICSL laboratory as part of a predisposition screen in an ostensibly healthy population. It had not been previously curated by ICSL or reported in the Human Gene Mutation Database (HGMD: prior to June 1st, 2018), and was therefore a candidate for classification through an automated scoring system. Utilizing variant allele frequency, disease prevalence and penetrance estimates, and inheritance mode, an automated score was calculated to assess if this variant is too frequent to cause the disease. Based on the score and internal cut-off values, a variant classified as benign is not then subjected to further curation. The score for this variant resulted in a classification of benign for this disease.